The following is an entry in ClinVar:

NM_001376.5(DYNC1H1):c.12166G>A (p.Glu4056Lys)

Gene: DYNC1H1 (dynein cytoplasmic 1 heavy chain 1; plus strand). Cytogenetic location: 14q32.31.
Variant type: single nucleotide variant.
Coding change: c.12166G>A on transcript NM_001376.5 (MANE Select); coding-DNA position 12166, G replaced by A.
Protein change: p.Glu4056Lys; replaces glutamic acid 4056 with lysine.
Molecular consequence: missense variant.
Genome position (GRCh38, 1-based): chr14:102,042,076, G>A. VCF-style: chr14-102042076-G-A. GRCh37 (hg19) VCF-style: chr14-102508413-G-A.
Other names: c.12166G>A (NM_001376.4); short protein forms E4056K.
Identifiers: ClinVar variation 1676798 (VCV001676798.4), dbSNP rs2152596506, ClinGen allele CA391038671.
Genomic context (GRCh38, chr14:102,042,076, plus strand): 5'-AAGCCCAACACTCCTGTCTTAATGTGCTCTGTGCCTGGTTATGATGCCAGTGGACATGTC[G>A]AGGACCTTGCAGCCGAGCAGAACACGCAGATCACTTCAATTGCAATCGGTAAGGATGCTT-3'
Protein context (NP_001367.2, residues 4046-4066): VPGYDASGHV[Glu4056Lys]DLAAEQNTQI

ClinVar aggregate classification (germline): Uncertain significance. Review status: criteria provided, multiple submitters, no conflicts (2 of 4 stars). 2 submissions from 2 submitters: Uncertain significance (2). Last evaluated 2026-06-03.

Conditions:
Inborn genetic diseases. Identifiers: MedGen C0950123, MeSH D030342.

Submissions (2):

Ambry Genetics
Classification: Uncertain significance for Inborn genetic diseases. Last evaluated: 2026-06-03. Review status: criteria provided, single submitter. Criteria: Ambry Variant Classification Scheme 2023. Collection method: clinical testing. Allele origin: germline.

Centre of Medical Genetics, University Hospital Muenster
Classification: Uncertain significance. Last evaluated: 2022-02-09. Review status: criteria provided, single submitter. Criteria: ACMG Guidelines, 2015. Collection method: clinical testing. Allele origin: unknown. Affected: yes. Observed: 1 variant allele, 1 heterozygote.
Comment: ACMG categories: PM2,PP3